The following is an entry in ClinVar:

NM_001370466.1(NOD2):c.1109C>T (p.Pro370Leu)

Gene: NOD2 (nucleotide binding oligomerization domain containing 2; plus strand). Cytogenetic location: 16q12.1.
Variant type: single nucleotide variant.
Coding change: c.1109C>T on transcript NM_001370466.1 (MANE Select); coding-DNA position 1109, C replaced by T.
Protein change: p.Pro370Leu; replaces proline 370 with leucine.
Molecular consequence: missense variant. On other transcripts: non-coding transcript variant (1).
Genome position (GRCh38, 1-based): chr16:50,711,101, C>T. VCF-style: chr16-50711101-C-T. GRCh37 (hg19) VCF-style: chr16-50745012-C-T.
Other names: c.1109C>T, p.Pro370Leu (NM_001293557.2); c.1190C>T, p.Pro397Leu (NM_022162.3); short protein forms P397L, P370L.
Identifiers: ClinVar variation 531599 (VCV000531599.32), dbSNP rs150078153, ClinGen allele CA8051488.

ClinVar aggregate classification (germline): Conflicting classifications of pathogenicity. Review status: criteria provided, conflicting classifications (1 of 4 stars). 9 submissions from 8 submitters: Uncertain significance (4); Benign (1); Likely benign (3). 1 of the submissions does not count toward it. Last evaluated 2026-01-06.

Conditions:
Blau syndrome (BLAUS). Also called: ARTHROCUTANEOUVEAL GRANULOMATOSIS; GRANULOMATOSIS, FAMILIAL JUVENILE SYSTEMIC; GRANULOMATOSIS, FAMILIAL, BLAU TYPE; GRANULOMATOUS INFLAMMATORY ARTHRITIS, DERMATITIS, AND UVEITIS, FAMILIAL; JABS SYNDROME. Identifiers: Orphanet 90340, MedGen C5201146, MONDO:0008523, OMIM 186580.
Regional enteritis. Also called: Enteritis, Granulomatous. Identifiers: MedGen C0678202, MeSH D003424.
NOD2-related disorder. Also called: NOD2-related condition.
Autoinflammatory syndrome. Identifiers: Orphanet 93665, MedGen C3890737, MONDO:0019751.
Inflammatory bowel disease 1 (IBD1). Also called: Inflammatory bowel disease 1, Crohn disease; INFLAMMATORY BOWEL DISEASE (CROHN DISEASE) 1. Identifiers: MedGen CN260071, MONDO:0009960, OMIM 266600.

Allele frequency attached by ClinVar (database versions not stated): ExAC 0.00011; gnomAD exomes 0.00015 and 0.00042; gnomAD 0.00019 and 0.00021; TOPMed 0.00019; ESP Exome Variant Server 0.00038.
gnomAD v4.1: 631 of 1,614,062 alleles (0.039%); highest among the groups gnomAD compares: Non-Finnish European, 0.051%; no homozygotes.

Submissions (9):

Women's Health and Genetics/Laboratory Corporation of America, LabCorp
Classification: Likely benign. Last evaluated: 2026-01-06. Review status: criteria provided, single submitter. Criteria: LabCorp Variant Classification Summary - May 2015. Collection method: clinical testing. Allele origin: germline.
Comment: Variant summary: NOD2 c.1190C>T (p.Pro397Leu) results in a non-conservative amino acid change in the encoded protein sequence. Algorithms developed to predict the effect of missense changes on protein structure and function are either unavailable or do not agree on the potential impact of this missense change. The variant allele was found at a frequency of 0.00015 in 251412 control chromosomes. The observed variant frequency exceeds the estimated maximal expected allele frequency for disease-causing variants in NOD2. To our knowledge, no occurrence of c.1190C>T in individuals affected with Blau syndrome and no experimental evidence demonstrating its impact on protein function have been reported. ClinVar contains an entry for this variant (Variation ID: 531599). Based on the evidence outlined above, the variant was classified as likely benign.

Labcorp Genetics (formerly Invitae), Labcorp
Classification: Likely benign for Regional enteritis; Blau syndrome. Last evaluated: 2025-10-24. Review status: criteria provided, single submitter. Criteria: Invitae Variant Classification Sherloc (09022015). Collection method: clinical testing. Allele origin: germline.

Laboratory of Genetics, Children's Clinical University Hospital Latvia
Classification: Likely benign. Last evaluated: 2025-02-16. Review status: criteria provided, single submitter. Criteria: ACMG Guidelines, 2015. Collection method: clinical testing. Allele origin: germline. Affected: yes.

Blueprint Genetics
Classification: Uncertain significance. Last evaluated: 2024-08-12. Review status: criteria provided, single submitter. Criteria: ACMG Guidelines, 2015. Collection method: clinical testing. Allele origin: germline.

ARUP Laboratories, Molecular Genetics and Genomics, ARUP Laboratories
Classification: Uncertain significance. Last evaluated: 2022-01-14. Review status: criteria provided, single submitter. Criteria: ARUP Molecular Germline Variant Investigation Process 2021. Collection method: clinical testing. Allele origin: germline.
Comment: The NOD2 c.1190C>T, p.Pro397Leu variant (rs150078153) is reported in one individual with a systemic auto-inflammatory disease (Rusmini 2016), and one individual with Chron’s disease (Zouiten-Mekki 2005). However, neither patient had clear disease association. The variant is reported in the ClinVar database (Variant ID 531599) and is listed in the general population with an overall allele frequency of 0.02% (44/282,784 alleles) in the Genome Aggregation Database. The proline at codon 397 is highly conserved, but computational analyses are uncertain whether this variant is neutral or deleterious (REVEL: 0.44). Due to limited information, the clinical significance of the p.Pro397Leu variant is uncertain at this time. References: Rusmini M et al. Next-generation sequencing and its initial applications for molecular diagnosis of systemic auto-inflammatory diseases. Ann Rheum Dis. 2016 Aug;75(8):1550-7. PMID: 26386126. Zouiten-Mekki L et al. CARD15/NOD2 in a Tunisian population with Crohn's disease. Dig Dis Sci. 2005 Jan;50(1):130-5. PMID: 15712650.

Genome Diagnostics Laboratory, The Hospital for Sick Children
Classification: Uncertain significance for Autoinflammatory syndrome. Last evaluated: 2020-01-01. Review status: criteria provided, single submitter. Criteria: ACMG Guidelines, 2015. Collection method: clinical testing. Allele origin: germline. Affected: yes.

Illumina Laboratory Services, Illumina
Classification: Uncertain significance for Inflammatory bowel disease 1. Last evaluated: 2017-04-27. Review status: criteria provided, single submitter. Criteria: ICSL Variant Classification Criteria 13 December 2019. Collection method: clinical testing. Allele origin: germline.
Comment: This variant was observed as part of a predisposition screen in an ostensibly healthy population. A literature search was performed for the gene, cDNA change, and amino acid change (where applicable). Publications were found based on this search. However, the evidence from the literature, in combination with allele frequency data from public databases where available, was not sufficient to rule this variant in or out of causing disease. Therefore, this variant is classified as a variant of unknown significance.

Illumina Laboratory Services, Illumina
Classification: Benign for Blau syndrome. Last evaluated: 2017-04-27. Review status: criteria provided, single submitter. Criteria: ICSL Variant Classification Criteria 13 December 2019. Collection method: clinical testing. Allele origin: germline.
Comment: This variant was observed as part of a predisposition screen in an ostensibly healthy population. A literature search was performed for the gene, cDNA change, and amino acid change (where applicable). No publications were found based on this search. Allele frequency data from public databases was too high to be consistent with this variant causing disease. Therefore, this variant is classified as benign.

PreventionGenetics, part of Exact Sciences
Classification: Uncertain significance for NOD2-related condition. Last evaluated: 2024-02-01. Review status: no assertion criteria provided. Collection method: clinical testing. Allele origin: germline. Not counted in ClinVar's aggregate classification.
Comment: The NOD2 c.1190C>T variant is predicted to result in the amino acid substitution p.Pro397Leu. This variant has been reported in an individual with ulcerative colitis (Table S3, Horowitz et al. 2021. PubMed ID: 33692434) as well as, along with a truncating NPC1 variant, a patient with an atypical form of Crohn's disease with neurological deterioration present (Azab et al. 2022. PubMed ID: 35741735). This variant is reported in 0.027% of alleles in individuals of European (non-Finnish) descent in gnomAD. At this time, the clinical significance of this variant is uncertain due to the absence of conclusive functional and genetic evidence.

Literature cited by the submitters: PubMed 15712650 (cited by Illumina Laboratory Services, Illumina).